The following is an entry in ClinVar:

NM_024408.4(NOTCH2):c.2436T>C (p.Asp812=)

Gene: NOTCH2 (notch receptor 2; minus strand). Cytogenetic location: 1p12.
Variant type: single nucleotide variant.
Coding change: c.2436T>C on transcript NM_024408.4 (MANE Select); coding-DNA position 2436, T replaced by C.
Protein change: p.Asp812=; no amino-acid change (aspartic acid 812 retained).
Molecular consequence: synonymous variant.
Genome position (GRCh38, 1-based): chr1:119,950,767, A>G on the plus strand (T>C on the coding strand, the complement: NOTCH2 is on the minus strand). VCF-style: chr1-119950767-A-G. GRCh37 (hg19) VCF-style: chr1-120493390-A-G.
Other names: p.Asp812=; c.2436T>C, p.Asp812= (NM_001200001.2).
Identifiers: ClinVar variation 1578526 (VCV001578526.9), dbSNP rs782136077, ClinGen allele CA1040308.

ClinVar aggregate classification (germline): Likely benign. Review status: criteria provided, multiple submitters, no conflicts (2 of 4 stars). 2 submissions from 2 submitters: Likely benign (2). Last evaluated 2025-10-11.

Conditions:
Hajdu-Cheney syndrome (HJCYS). Also called: Acroosteolysis dominant type; SERPENTINE FIBULA-POLYCYSTIC KIDNEY SYNDROME; ACROOSTEOLYSIS WITH OSTEOPOROSIS AND CHANGES IN SKULL AND MANDIBLE. Identifiers: Orphanet 955, MedGen C0917715, MONDO:0007057, OMIM 102500.

Allele frequency attached by ClinVar (database versions not stated): gnomAD 0.00001; gnomAD exomes 0.00003 and 0.00007; TOPMed 0.00005; ExAC 0.00006.
gnomAD v4.1: 19 of 1,614,074 alleles (0.0012%); highest among the groups gnomAD compares: Admixed American, 0.032%; no homozygotes.

Submissions (2):

Labcorp Genetics (formerly Invitae), Labcorp
Classification: Likely benign for Hajdu-Cheney syndrome. Last evaluated: 2025-10-11. Review status: criteria provided, single submitter. Criteria: Invitae Variant Classification Sherloc (09022015). Collection method: clinical testing. Allele origin: germline.

Mayo Clinic Laboratories, Mayo Clinic
Classification: Likely benign. Last evaluated: 2024-10-28. Review status: criteria provided, single submitter. Criteria: ACMG Guidelines, 2015. Collection method: clinical testing. Allele origin: germline. Observed: 1 variant allele.
Comment: BP4, BP7